The following is an entry in ClinVar:

NM_005120.3(MED12):c.2128G>A (p.Val710Met)

Gene: MED12 (mediator complex subunit 12; plus strand). Cytogenetic location: Xq13.1.
Variant type: single nucleotide variant.
Coding change: c.2128G>A on transcript NM_005120.3 (MANE Select); coding-DNA position 2128, G replaced by A.
Protein change: p.Val710Met; replaces valine 710 with methionine.
Molecular consequence: missense variant.
Genome position (GRCh38, 1-based): chrX:71,125,048, G>A. VCF-style: chrX-71125048-G-A. GRCh37 (hg19) VCF-style: chrX-70344898-G-A.
Other names: short protein forms V710M.
Identifiers: ClinVar variation 211471 (VCV000211471.10), dbSNP rs797045697, ClinGen allele CA207309.
Genomic context (GRCh38, chrX:71,125,048, plus strand): 5'-ACTATGCCCTGTGAGGGGAAGGGCAGTCCATCCCCTGAGAAGCCAGATGTCGAGAAGGAG[G>A]TGAAGCCCCCACCCAAGGAGAAGATTGAAGGGACCCTTGGGGTTCTTTACGACCAGCCAC-3'
Protein context (NP_005111.2, residues 700-720): SPEKPDVEKE[Val710Met]KPPPKEKIEG

ClinVar aggregate classification (germline): Conflicting classifications of pathogenicity. Review status: criteria provided, conflicting classifications (1 of 4 stars). 3 submissions from 3 submitters: Uncertain significance (2); Likely benign (1). Last evaluated 2021-06-24.

Conditions:
Familial thoracic aortic aneurysm and aortic dissection (TAAD). Also called: Thoracic aortic aneurysms and dissections. Identifiers: Orphanet 91387, MedGen C4707243, MONDO:0019625.

Allele frequency attached by ClinVar (database versions not stated): gnomAD exomes 0.00001 and 0.00002.
gnomAD v4.1: 26 of 1,211,094 alleles (0.0021%); highest among the groups gnomAD compares: Non-Finnish European, 0.0029%; no homozygotes.

Submissions (3):

GeneDx
Classification: Likely benign. Last evaluated: 2021-06-24. Review status: criteria provided, single submitter. Criteria: GeneDx Variant Classification Process June 2021. Collection method: clinical testing. Allele origin: germline. Affected: yes.
Comment: Not observed at significant frequency in large population cohorts (Lek et al., 2016); In silico analysis supports that this missense variant does not alter protein structure/function; Has not been previously published as pathogenic or benign to our knowledge; This variant is associated with the following publications: (PMID: 27535533)

Ambry Genetics
Classification: Uncertain significance for Familial thoracic aortic aneurysm and aortic dissection. Last evaluated: 2018-01-18. Review status: criteria provided, single submitter. Criteria: Ambry Variant Classification Scheme 2023. Collection method: clinical testing. Allele origin: germline.
Comment: The p.V710M variant (also known as c.2128G>A), located in coding exon 15 of the MED12 gene, results from a G to A substitution at nucleotide position 2128. The valine at codon 710 is replaced by methionine, an amino acid with highly similar properties. This amino acid position is not well conserved in available vertebrate species. In addition, this alteration is predicted to be tolerated by in silico analysis. Since supporting evidence is limited at this time, the clinical significance of this alteration remains unclear.

Genetic Services Laboratory, University of Chicago
Classification: Uncertain significance. Last evaluated: 2014-08-13. Review status: criteria provided, single submitter. Criteria: ACMG Guidelines, 2015. Collection method: clinical testing. Allele origin: germline.